The following is an entry in ClinVar:

ClinVar aggregate classification (germline): Likely pathogenic (1 of 4 stars; one submission).

Conditions:
PKD1-related disorder. Also called: PKD1-related condition.

Submission:

PreventionGenetics, part of Exact Sciences
Classification: Likely pathogenic for PKD1-related condition. Last evaluated: 2026-01-30. Review status: criteria provided, single submitter. Criteria: ACMG Guidelines, 2015. Collection method: clinical testing. Allele origin: germline.
Comment: The PKD1 c.11712+2T>G variant is predicted to disrupt the GT donor site and interfere with normal splicing. To our knowledge, this variant has not been reported in the literature or in a large population database (gnomAD), indicating this variant is rare. Variants that disrupt the consensus splice donor site in PKD1 are expected to be pathogenic. This variant is interpreted as likely pathogenic.

NM_001009944.3(PKD1):c.11712+2T>G

Gene: PKD1 (polycystin 1, transient receptor potential channel interacting; minus strand). Cytogenetic location: 16p13.3.
Variant type: single nucleotide variant.
Coding change: c.11712+2T>G on transcript NM_001009944.3 (MANE Select); the canonical splice donor site of the intron after coding-DNA position 11712, T replaced by G.
Molecular consequence: splice donor variant.
Genome position (GRCh38, 1-based): chr16:2,091,421, A>C on the plus strand (T>G on the coding strand, the complement: PKD1 is on the minus strand). VCF-style: chr16-2091421-A-C. GRCh37 (hg19) VCF-style: chr16-2141422-A-C.
Other names: c.11709+2T>G (NM_000296.4).
Identifiers: ClinVar variation 4996606 (VCV004996606.1).